The following is an entry in ClinVar:

NM_001352514.2(HLCS):c.1256del (p.Phe419fs)

Gene: HLCS (holocarboxylase synthetase; minus strand). Cytogenetic location: 21q22.13.
Variant type: Deletion.
Coding change: c.1256del on transcript NM_001352514.2 (MANE Select); coding-DNA position 1256, one base deleted (T; older notation c.1256delT).
Protein change: p.Phe419fs; shifts the reading frame from phenylalanine 419.
Molecular consequence: frameshift variant. On other transcripts: non-coding transcript variant (2).
Genome position (GRCh38, 1-based): chr21:36,936,630, A deleted on the plus strand (T on the coding strand, the reverse complement: HLCS is on the minus strand); the first of 4 consecutive A bases (chr21:36,936,630-36,936,633); deleting any one gives the same sequence. VCF-style (leftmost placement, unchanged base first): chr21-36936629-GA-G. GRCh37 (hg19) VCF-style: chr21-38308929-GA-G.
Other names: c.815del, p.Phe272fs (NM_000411.8, NM_001242784.3, NM_001242785.2 and 4 more transcripts); short protein forms F272fs, F419fs.
Identifiers: ClinVar variation 5014678 (VCV005014678.1).

ClinVar aggregate classification (germline): Pathogenic (1 of 4 stars; one submission).

Conditions:
Holocarboxylase synthetase deficiency. Also called: MULTIPLE CARBOXYLASE DEFICIENCY, EARLY ONSET. Identifiers: Orphanet 79242, MedGen C0268581, MONDO:0009666, OMIM 253270.

Submission:

Myriad Genetics, Inc.
Classification: Pathogenic for Holocarboxylase synthetase deficiency. Last evaluated: 2025-07-03. Review status: criteria provided, single submitter. Criteria: Myriad Autosomal Dominant, Autosomal Recessive and X-Linked Classification Criteria (2023). Collection method: clinical testing. Allele origin: unknown.
Comment: NM_000411.6(HLCS):c.815delT(F272Sfs*9) is expected to be pathogenic in the context of holocarboxylase synthetase deficiency. This variant is predicted to lead to an abnormal or absent protein product due to the creation of a premature termination codon in HLCS, a gene where loss-of-function variants are known to be pathogenic. Please note: this variant was assessed in the context of healthy population screening.